The following is an entry in ClinVar:

NM_000091.5(COL4A3):c.3337+1G>T

Genes: COL4A3 (collagen type IV alpha 3 chain; plus strand), MFF-DT (MFF divergent transcript; minus strand). Cytogenetic location: 2q36.3.
Variant type: single nucleotide variant.
Coding change: c.3337+1G>T on transcript NM_000091.5 (MANE Select); the canonical splice donor site of the intron after coding-DNA position 3337, G replaced by T.
Molecular consequence: splice donor variant.
Genome position (GRCh38, 1-based): chr2:227,293,318, G>T. VCF-style: chr2-227293318-G-T. GRCh37 (hg19) VCF-style: chr2-228158034-G-T.
Identifiers: ClinVar variation 2093767 (VCV002093767.4), dbSNP rs1430568143, ClinGen allele CA350858104.
Genomic context (GRCh38, chr2:227,293,318, plus strand): 5'-ATTTGGGGCCTGCTGGACCTGAGGGAGCCCCTGGAAGTCCTGGAAGTCCTGGCCTCCCAG[G>T]TAAGGCTTGAGTTTACAATTCTAAAAGCTGGAAGCATTACTCAGAGTATAGCCCTCCTGA-3'

ClinVar aggregate classification (germline): Likely pathogenic (1 of 4 stars; one submission).

Submission:

Labcorp Genetics (formerly Invitae), Labcorp
Classification: Likely pathogenic. Last evaluated: 2022-08-19. Review status: criteria provided, single submitter. Criteria: Invitae Variant Classification Sherloc (09022015). Collection method: clinical testing. Allele origin: germline.
Comment: This variant is not present in population databases (gnomAD no frequency). This sequence change affects a donor splice site in intron 38 of the COL4A3 gene. It is expected to disrupt RNA splicing. Variants that disrupt the donor or acceptor splice site typically lead to a loss of protein function (PMID: 16199547), and loss-of-function variants in COL4A3 are known to be pathogenic (PMID: 8956999, 24854265, 26809805, 27281700). This variant has not been reported in the literature in individuals affected with COL4A3-related conditions. Algorithms developed to predict the effect of sequence changes on RNA splicing suggest that this variant may disrupt the consensus splice site. In summary, the currently available evidence indicates that the variant is pathogenic, but additional data are needed to prove that conclusively. Therefore, this variant has been classified as Likely Pathogenic.

Literature cited by the submitters: PubMed 16199547; PubMed 8956999; PubMed 24854265; PubMed 26809805; PubMed 27281700.